The following is an entry in ClinVar:

NM_030958.3(SLCO5A1):c.1072A>T (p.Met358Leu)

Gene: SLCO5A1 (solute carrier organic anion transporter family member 5A1; minus strand). Cytogenetic location: 8q13.3.
Variant type: single nucleotide variant.
Coding change: c.1072A>T on transcript NM_030958.3 (MANE Select); coding-DNA position 1072, A replaced by T.
Protein change: p.Met358Leu; replaces methionine 358 with leucine.
Molecular consequence: missense variant.
Genome position (GRCh38, 1-based): chr8:69,755,610, T>A on the plus strand (A>T on the coding strand, the complement: SLCO5A1 is on the minus strand). VCF-style: chr8-69755610-T-A. GRCh37 (hg19) VCF-style: chr8-70667845-T-A.
Other names: c.1072A>T, p.Met358Leu (NM_001146008.2, NM_001146009.1); short protein forms M358L.
Identifiers: ClinVar variation 3675631 (VCV003675631.2).
Genomic context (GRCh38, chr8:69,755,610, plus strand): 5'-TCTTGTGTCGAGGTGGAAGCTTTTTTGGGAAAGTAAACATTGGGAATATCACAAGAAACA[T>A]TGCAATGGCACAAAGGAGGAATCCACTCCACCTAAAAAATTGGAAAATGTGAATAGCATT-3'
Protein context (NP_112220.2, residues 348-368): WSGFLLCAIA[Met358Leu]FLVIFPMFTF

ClinVar aggregate classification (germline): Uncertain significance (1 of 4 stars; one submission).

gnomAD v4.1: 12 of 1,613,782 alleles (0.00074%); highest among the groups gnomAD compares: East Asian, 0.027%; no homozygotes.

Submission:

Labcorp Genetics (formerly Invitae), Labcorp
Classification: Uncertain significance. Last evaluated: 2024-05-23. Review status: criteria provided, single submitter. Criteria: Invitae Variant Classification Sherloc (09022015). Collection method: clinical testing. Allele origin: germline.
Comment: This sequence change replaces methionine, which is neutral and non-polar, with leucine, which is neutral and non-polar, at codon 358 of the SLCO5A1 protein (p.Met358Leu). This variant is present in population databases (rs34036248, gnomAD 0.02%). This variant has not been reported in the literature in individuals affected with SLCO5A1-related conditions. An algorithm developed to predict the effect of missense changes on protein structure and function (PolyPhen-2) suggests that this variant is likely to be tolerated. In summary, the available evidence is currently insufficient to determine the role of this variant in disease. Therefore, it has been classified as a Variant of Uncertain Significance.